The following is an entry in ClinVar:

NM_002150.3(HPD):c.674G>A (p.Arg225Gln)

Genes: HPD (4-hydroxyphenylpyruvate dioxygenase; minus strand), TIALD (transcript inducer of AURKA lysosomal degradation; plus strand). Cytogenetic location: 12q24.31.
Variant type: single nucleotide variant.
Coding change: c.674G>A on transcript NM_002150.3 (MANE Select); coding-DNA position 674, G replaced by A.
Protein change: p.Arg225Gln; replaces arginine 225 with glutamine.
Molecular consequence: missense variant.
Genome position (GRCh38, 1-based): chr12:121,847,137, C>T on the plus strand (G>A on the coding strand, the complement: HPD is on the minus strand). VCF-style: chr12-121847137-C-T. GRCh37 (hg19) VCF-style: chr12-122285043-C-T.
Other names: c.557G>A, p.Arg186Gln (NM_001171993.2); short protein forms R186Q, R225Q.
Identifiers: ClinVar variation 2643489 (VCV002643489.24), dbSNP rs753428608, ClinGen allele CA244671396.
Genomic context (GRCh38, chr12:121,847,137, plus strand): 5'-GGCGCTGGCTCATTGATGGGCATCTTGATGGACTCTTCATAGTTGGCCACCACAATGGAT[C>T]GCAGAGAGCTATATTCCGTGTGCACCTGCGTGTCATCCACGGACCAGAAGCGGTGGAACT-3'
Protein context (NP_002141.2, residues 215-235): TQVHTEYSSL[Arg225Gln]SIVVANYEES

ClinVar aggregate classification (germline): Uncertain significance (1 of 4 stars; one submission).

Allele frequency attached by ClinVar (database versions not stated): gnomAD 0.00001; TOPMed 0.00001.
gnomAD v4.1: 6 of 1,614,024 alleles (0.00037%); highest among the groups gnomAD compares: Admixed American, 0.0033%; no homozygotes.

Submission:

CeGaT Center for Human Genetics Tuebingen
Classification: Uncertain significance. Last evaluated: 2023-03-01. Review status: criteria provided, single submitter. Criteria: CeGaT Center For Human Genetics Tuebingen Variant Classification Criteria Version 2. Collection method: clinical testing. Allele origin: germline. Affected: yes. Observed: 1 variant allele.
Comment: HPD: PM2:Supporting